The following is an entry in ClinVar:

NM_000138.5(FBN1):c.6449G>T (p.Arg2150Leu)

Gene: FBN1 (fibrillin 1; minus strand). Cytogenetic location: 15q21.1.
Variant type: single nucleotide variant.
Coding change: c.6449G>T on transcript NM_000138.5 (MANE Select); coding-DNA position 6449, G replaced by T.
Protein change: p.Arg2150Leu; replaces arginine 2150 with leucine.
Molecular consequence: missense variant.
Genome position (GRCh38, 1-based): chr15:48,437,008, C>A on the plus strand (G>T on the coding strand, the complement: FBN1 is on the minus strand). VCF-style: chr15-48437008-C-A. GRCh37 (hg19) VCF-style: chr15-48729205-C-A.
Other names: p.R2150L:CGC>CTC; short protein forms R2150L.
Identifiers: ClinVar variation 200085 (VCV000200085.13), dbSNP rs794728250, ClinGen allele CA016480.

ClinVar aggregate classification (germline): Conflicting classifications of pathogenicity. Review status: criteria provided, conflicting classifications (1 of 4 stars). 4 submissions from 4 submitters: Pathogenic (1); Uncertain significance (3). Last evaluated 2024-07-30.

Conditions:
Marfan syndrome (MFS). Also called: Marfan syndrome, classic; FBN1-Related Marfan Syndrome; Marfan syndrome type 1; Marfan's syndrome; MARFAN SYNDROME, TYPE I. Identifiers: Orphanet 284963, Orphanet 558, MedGen C0024796, MONDO:0007947, OMIM 154700.
Familial thoracic aortic aneurysm and aortic dissection (TAAD). Also called: Thoracic aortic aneurysms and dissections. Identifiers: Orphanet 91387, MedGen C4707243, MONDO:0019625.

gnomAD v4.1: 2 of 1,613,010 alleles (0.00012%); highest among the groups gnomAD compares: Non-Finnish European, 0.00017%; no homozygotes.

Submissions (4):

GeneDx
Classification: Uncertain significance. Last evaluated: 2024-07-30. Review status: criteria provided, single submitter. Criteria: GeneDx Variant Classification Process June 2021. Collection method: clinical testing. Allele origin: germline. Affected: yes.
Comment: Has not been previously published as pathogenic or benign to our knowledge; Not observed at significant frequency in large population cohorts (gnomAD); Does not affect a cysteine or calcium-binding residue within an EGF-like domain or a TGF-binding protein domain of the FBN1 gene; cysteine substitutions in the EGF-like domains represent the majority of pathogenic missense changes associated with FBN1-related disorders (PMID: 12938084); In silico analysis supports that this missense variant has a deleterious effect on protein structure/function; This variant is associated with the following publications: (PMID: 12938084, 34113009)

Women's Health and Genetics/Laboratory Corporation of America, LabCorp
Classification: Uncertain significance. Last evaluated: 2024-07-29. Review status: criteria provided, single submitter. Criteria: LabCorp Variant Classification Summary - May 2015. Collection method: clinical testing. Allele origin: germline.
Comment: Variant summary: FBN1 c.6449G>T (p.Arg2150Leu) results in a non-conservative amino acid change in the encoded protein sequence. Five of five in-silico tools predict a damaging effect of the variant on protein function. The variant was absent in 251030 control chromosomes. To our knowledge, no occurrence of c.6449G>T in individuals affected with Marfan Syndrome and no experimental evidence demonstrating its impact on protein function have been reported in the literature, however, our laboratory has identified this variant in at least one individual with clinical features of Marfan syndrome. ClinVar contains an entry for this variant (Variation ID: 200085). Based on the evidence outlined above, the variant was classified as VUS-possibly pathogenic.

Labcorp Genetics (formerly Invitae), Labcorp
Classification: Pathogenic for Marfan syndrome; Familial thoracic aortic aneurysm and aortic dissection. Last evaluated: 2023-03-03. Review status: criteria provided, single submitter. Criteria: Invitae Variant Classification Sherloc (09022015). Collection method: clinical testing. Allele origin: germline.
Comment: This sequence change replaces arginine, which is basic and polar, with leucine, which is neutral and non-polar, at codon 2150 of the FBN1 protein (p.Arg2150Leu). This variant is not present in population databases (gnomAD no frequency). This missense change has been observed in individual(s) with clinical features of Marfan syndrome (Invitae). It has also been observed to segregate with disease in related individuals. ClinVar contains an entry for this variant (Variation ID: 200085). Advanced modeling of protein sequence and biophysical properties (such as structural, functional, and spatial information, amino acid conservation, physicochemical variation, residue mobility, and thermodynamic stability) performed at Invitae indicates that this missense variant is expected to disrupt FBN1 protein function. This variant disrupts the p.Arg2150 amino acid residue in FBN1. Other variant(s) that disrupt this residue have been observed in individuals with FBN1-related conditions (PMID: 28973303, 31098894, 31730815), which suggests that this may be a clinically significant amino acid residue. For these reasons, this variant has been classified as Pathogenic.

Color Diagnostics, LLC DBA Color Health
Classification: Uncertain significance for Familial thoracic aortic aneurysm and aortic dissection. Last evaluated: 2019-12-12. Review status: criteria provided, single submitter. Criteria: ACMG Guidelines, 2015. Collection method: clinical testing. Allele origin: germline.
Comment: This missense variant replaces arginine with leucine at codon 2150 of the FBN1 protein. Computational prediction suggests that this variant may have deleterious impact on protein structure and function (internally defined REVEL score threshold >= 0.7, PMID: 27666373). Splice site prediction tools suggest that this variant may not impact RNA splicing. To our knowledge, functional studies have not been performed for this variant. This variant has not been reported in individuals affected with cardiovascular disorders in the literature. This variant has not been identified in the general population by the Genome Aggregation Database (gnomAD). The available evidence is insufficient to determine the role of this variant in disease conclusively. Therefore, this variant is classified as a Variant of Uncertain Significance.

Literature cited by the submitters: PubMed 28973303 (cited by Labcorp Genetics (formerly Invitae), Labcorp); PubMed 31098894 (cited by Labcorp Genetics (formerly Invitae), Labcorp); PubMed 31730815 (cited by Labcorp Genetics (formerly Invitae), Labcorp).